The following is an entry in ClinVar:

ClinVar aggregate classification (germline): Pathogenic (1 of 4 stars; one submission).

Conditions:
Hereditary cancer-predisposing syndrome. Also called: Neoplastic Syndromes, Hereditary; Tumor predisposition; Hereditary Cancer Syndrome; Hereditary neoplastic syndrome. Identifiers: Orphanet 140162, MedGen C0027672, MeSH D009386, MONDO:0015356.

Submission:

Ambry Genetics
Classification: Pathogenic for Hereditary cancer-predisposing syndrome. Last evaluated: 2022-06-23. Review status: criteria provided, single submitter. Criteria: Ambry Variant Classification Scheme 2023. Collection method: clinical testing. Allele origin: germline.
Comment: The c.3342_3348delTTCTACT pathogenic mutation, located in coding exon 10 of the BRCA2 gene, results from a deletion of 7 nucleotides at nucleotide positions 3342 to 3348, causing a translational frameshift with a predicted alternate stop codon (p.S1115Yfs*2). This variant is considered to be rare based on population cohorts in the Genome Aggregation Database (gnomAD). This alteration is expected to result in loss of function by premature protein truncation or nonsense-mediated mRNA decay. As such, this alteration is interpreted as a disease-causing mutation.

NM_000059.4(BRCA2):c.3342_3348del (p.Ser1115fs)

Gene: BRCA2 (BRCA2 DNA repair associated; plus strand). Cytogenetic location: 13q13.1.
Variant type: Deletion.
Coding change: c.3342_3348del on transcript NM_000059.4 (MANE Select); coding-DNA positions 3342 to 3348, 7 bases deleted (TTCTACT; older notation c.3342_3348delTTCTACT).
Protein change: p.Ser1115fs; shifts the reading frame from serine 1115.
Molecular consequence: frameshift variant.
Genome position (GRCh38, 1-based): chr13:32,337,697-32,337,703, TTCTACT deleted; deleting any 7 consecutive bases within chr13:32,337,694-32,337,703 gives the same sequence; the c. name uses the placement nearest the transcript's 3' end. VCF-style (leftmost placement, unchanged base first): chr13-32337693-AACTTTCT-A. GRCh37 (hg19) VCF-style: chr13-32911830-AACTTTCT-A.
Other names: c.3342_3348delTTCTACT, p.Ser1115Tyrfs (NM_001406719.1, NM_001406720.1); short protein forms S1115fs.
Identifiers: ClinVar variation 1730424 (VCV001730424.2), dbSNP rs2548525717, ClinGen allele CA2580087065.